The following is an entry in ClinVar:

NM_024592.5(SRD5A3):c.66del (p.Thr23fs)

Gene: SRD5A3 (steroid 5 alpha-reductase 3; plus strand). Cytogenetic location: 4q12.
Variant type: Deletion.
Coding change: c.66del on transcript NM_024592.5 (MANE Select); coding-DNA position 66, one base deleted (G; older notation c.66delG).
Protein change: p.Thr23fs; shifts the reading frame from threonine 23.
Molecular consequence: frameshift variant.
Genome position (GRCh38, 1-based): chr4:55,346,402, G deleted. VCF-style (leftmost placement, unchanged base first): chr4-55346401-TG-T. GRCh37 (hg19) VCF-style: chr4-56212568-TG-T.
Other names: c.66delG (NM_024592.4); short protein forms T23fs.
Identifiers: ClinVar variation 423433 (VCV000423433.3), dbSNP rs1064796421, ClinGen allele CA16618048.

ClinVar aggregate classification (germline): Pathogenic (1 of 4 stars; one submission).

Submission:

GeneDx
Classification: Pathogenic. Last evaluated: 2019-04-05. Review status: criteria provided, single submitter. Criteria: GeneDx Variant Classification Process June 2021. Collection method: clinical testing. Allele origin: germline. Affected: yes.
Comment: Has not been previously published as pathogenic or benign to our knowledge; Frameshift variant predicted to result in protein truncation or nonsense mediated decay in a gene for which loss-of-function is a known mechanism of disease; Not observed in large population cohorts (Lek et al., 2016)